The following is an entry in ClinVar:

ClinVar aggregate classification (germline): Uncertain significance (1 of 4 stars; one submission).

gnomAD v4.1: 2 of 1,613,622 alleles (0.00012%); highest among the groups gnomAD compares: South Asian, 0.0022%; no homozygotes.

Submission:

Labcorp Genetics (formerly Invitae), Labcorp
Classification: Uncertain significance. Last evaluated: 2025-06-17. Review status: criteria provided, single submitter. Criteria: Invitae Variant Classification Sherloc (09022015). Collection method: clinical testing. Allele origin: germline.
Comment: This sequence change replaces serine, which is neutral and polar, with asparagine, which is neutral and polar, at codon 1731 of the NALCN protein (p.Ser1731Asn). This variant is not present in population databases (gnomAD no frequency). This variant has not been reported in the literature in individuals affected with NALCN-related conditions. Invitae Evidence Modeling of protein sequence and biophysical properties (such as structural, functional, and spatial information, amino acid conservation, physicochemical variation, residue mobility, and thermodynamic stability) indicates that this missense variant is not expected to disrupt NALCN protein function with a negative predictive value of 95%. In summary, the available evidence is currently insufficient to determine the role of this variant in disease. Therefore, it has been classified as a Variant of Uncertain Significance.

NM_052867.4(NALCN):c.5192G>A (p.Ser1731Asn)

Genes: NALCN (sodium leak channel, non-selective; minus strand), NALCN-AS1 (NALCN antisense RNA 1; plus strand). Cytogenetic location: 13q32.3.
Variant type: single nucleotide variant.
Coding change: c.5192G>A on transcript NM_052867.4 (MANE Select); coding-DNA position 5192, G replaced by A.
Protein change: p.Ser1731Asn; replaces serine 1731 with asparagine.
Molecular consequence: missense variant. On other transcripts: non-coding transcript variant (1).
Genome position (GRCh38, 1-based): chr13:101,055,320, C>T on the plus strand (G>A on the coding strand, the complement: NALCN is on the minus strand). VCF-style: chr13-101055320-C-T. GRCh37 (hg19) VCF-style: chr13-101707672-C-T.
Other names: c.5279G>A, p.Ser1760Asn (NM_001350748.2); c.5192G>A, p.Ser1731Asn (NM_001350749.2); c.5105G>A, p.Ser1702Asn (NM_001350750.2, NM_001350751.2); short protein forms S1702N, S1731N, S1760N.
Identifiers: ClinVar variation 4802377 (VCV004802377.1).
Genomic context (GRCh38, chr13:101,055,320, plus strand): 5'-TCCACCACTAGAAATTCATCTACATTGACATCCACCTAAATATCCAGAAGGTCATCCCCA[C>T]TTTCGTCGCTCTCCACAGTCAGCTGCCGGGTCCACCACTTCTTAACTTCAGAACCGCAGG-3'
Protein context (NP_443099.1, residues 1721-1738): TRQLTVESDE[Ser1731Asn]GDDLLDI